The following is an entry in ClinVar:

ClinVar aggregate classification (germline): Uncertain significance. Review status: criteria provided, multiple submitters, no conflicts (2 of 4 stars). 2 submissions from 2 submitters: Uncertain significance (2). Last evaluated 2025-10-29.

Conditions:
COL2A1-related disorder. Also called: COL2A1-related condition; COL2A1-related disorders.

Allele frequency attached by ClinVar (database versions not stated): gnomAD exomes 0.00001.
gnomAD v4.1: 12 of 1,614,194 alleles (0.00074%); highest among the groups gnomAD compares: Non-Finnish European, 0.00085%; no homozygotes.

Submissions (2):

Labcorp Genetics (formerly Invitae), Labcorp
Classification: Uncertain significance. Last evaluated: 2025-10-29. Review status: criteria provided, single submitter. Criteria: Invitae Variant Classification Sherloc (09022015). Collection method: clinical testing. Allele origin: germline.
Comment: This sequence change replaces isoleucine, which is neutral and non-polar, with leucine, which is neutral and non-polar, at codon 67 of the COL2A1 protein (p.Ile67Leu). This variant is not present in population databases (gnomAD no frequency). This variant has not been reported in the literature in individuals affected with COL2A1-related conditions. ClinVar contains an entry for this variant (Variation ID: 2636074). Invitae Evidence Modeling of protein sequence and biophysical properties (such as structural, functional, and spatial information, amino acid conservation, physicochemical variation, residue mobility, and thermodynamic stability) indicates that this missense variant is not expected to disrupt COL2A1 protein function with a negative predictive value of 95%. In summary, the available evidence is currently insufficient to determine the role of this variant in disease. Therefore, it has been classified as a Variant of Uncertain Significance.

PreventionGenetics, part of Exact Sciences
Classification: Uncertain significance for COL2A1-related condition. Last evaluated: 2023-01-15. Review status: criteria provided, single submitter. Criteria: ACMG Guidelines, 2015. Collection method: clinical testing. Allele origin: germline.
Comment: The COL2A1 c.199A>T variant is predicted to result in the amino acid substitution p.Ile67Leu. To our knowledge, this variant has not been reported in the literature or in a large population database, indicating this variant is rare. At this time, the clinical significance of this variant is uncertain due to the absence of conclusive functional and genetic evidence.

NM_001844.5(COL2A1):c.199A>T (p.Ile67Leu)

Gene: COL2A1 (collagen type II alpha 1 chain; minus strand). Cytogenetic location: 12q13.11.
Variant type: single nucleotide variant.
Coding change: c.199A>T on transcript NM_001844.5 (MANE Select); coding-DNA position 199, A replaced by T.
Protein change: p.Ile67Leu; replaces isoleucine 67 with leucine.
Molecular consequence: missense variant. On other transcripts: intron variant (1).
Genome position (GRCh38, 1-based): chr12:48,000,012, T>A on the plus strand (A>T on the coding strand, the complement: COL2A1 is on the minus strand). VCF-style: chr12-48000012-T-A. GRCh37 (hg19) VCF-style: chr12-48393795-T-A.
Other names: c.86-1581A>T (NM_033150.3); short protein forms I67L.
Identifiers: ClinVar variation 2636074 (VCV002636074.2), dbSNP rs2540187598, ClinGen allele CA384526222.